The following is an entry in ClinVar:

NM_016203.4(PRKAG2):c.997T>G (p.Ser333Ala)

Gene: PRKAG2 (protein kinase AMP-activated non-catalytic subunit gamma 2; minus strand). Cytogenetic location: 7q36.1.
Variant type: single nucleotide variant.
Coding change: c.997T>G on transcript NM_016203.4 (MANE Select); coding-DNA position 997, T replaced by G.
Protein change: p.Ser333Ala; replaces serine 333 with alanine.
Molecular consequence: missense variant.
Genome position (GRCh38, 1-based): chr7:151,574,899, A>C on the plus strand (T>G on the coding strand, the complement: PRKAG2 is on the minus strand). VCF-style: chr7-151574899-A-C. GRCh37 (hg19) VCF-style: chr7-151271985-A-C.
Other names: c.865T>G, p.Ser289Ala (NM_001040633.2); c.622T>G, p.Ser208Ala (NM_001304527.2); c.274T>G, p.Ser92Ala (NM_001304531.2, NM_024429.2); c.625T>G, p.Ser209Ala (NM_001363698.2); short protein forms S333A, S289A, S208A, S92A, S209A.
Identifiers: ClinVar variation 626749 (VCV000626749.23), dbSNP rs775005432, ClinGen allele CA058916.

ClinVar aggregate classification (germline): Uncertain significance. Review status: criteria provided, multiple submitters, no conflicts (2 of 4 stars). 7 submissions from 7 submitters: Uncertain significance (7). Last evaluated 2025-11-23.

Conditions:
Lethal congenital glycogen storage disease of heart. Also called: GLYCOGEN STORAGE DISEASE OF HEART; PHOSPHORYLASE KINASE DEFICIENCY OF HEART. Identifiers: Orphanet 439854, MedGen C1849813, MONDO:0009867, OMIM 261740.
Cardiovascular phenotype. Identifiers: MedGen CN230736.
Wolff-Parkinson-White pattern. Also called: Auriculoventricular accessory pathway syndrome; False bundle branch block syndrome; Anomalous ventricular excitation syndrome; WPW SYNDROME. Identifiers: MedGen C0043202, MONDO:0008685, OMIM 194200, HP:0001716.
Hypertrophic cardiomyopathy 6. Identifiers: MedGen C1833236, MONDO:0010946, OMIM 600858.
Cardiomyopathy (CMYO). Also called: Cardiomyopathies. Identifiers: Orphanet 167848, MedGen C0878544, MONDO:0004994, HP:0001638. Inheritance: Various modes of inheritance.
Hypertrophic cardiomyopathy. Also called: HYPERTROPHIC MYOCARDIOPATHY. Identifiers: Orphanet 217569, MedGen C0007194, MeSH D002312, MONDO:0005045, HP:0001639.

Allele frequency attached by ClinVar (database versions not stated): TOPMed below 0.00001; ExAC 0.00001; gnomAD exomes 0.00001.
gnomAD v4.1: 6 of 1,613,704 alleles (0.00037%); highest among the groups gnomAD compares: Non-Finnish European, 0.00051%; no homozygotes.

Submissions (7):

Labcorp Genetics (formerly Invitae), Labcorp
Classification: Uncertain significance for Lethal congenital glycogen storage disease of heart. Last evaluated: 2025-11-23. Review status: criteria provided, single submitter. Criteria: Invitae Variant Classification Sherloc (09022015). Collection method: clinical testing. Allele origin: germline.
Comment: This sequence change replaces serine, which is neutral and polar, with alanine, which is neutral and non-polar, at codon 333 of the PRKAG2 protein (p.Ser333Ala). This variant is present in population databases (rs775005432, gnomAD 0.003%). This variant has not been reported in the literature in individuals affected with PRKAG2-related conditions. ClinVar contains an entry for this variant (Variation ID: 626749). Invitae Evidence Modeling of protein sequence and biophysical properties (such as structural, functional, and spatial information, amino acid conservation, physicochemical variation, residue mobility, and thermodynamic stability) has been performed for this missense variant. However, the output from this modeling did not meet the statistical confidence thresholds required to predict the impact of this variant on PRKAG2 protein function. In summary, the available evidence is currently insufficient to determine the role of this variant in disease. Therefore, it has been classified as a Variant of Uncertain Significance.

Ambry Genetics
Classification: Uncertain significance for Cardiovascular phenotype. Last evaluated: 2025-03-13. Review status: criteria provided, single submitter. Criteria: Ambry Variant Classification Scheme 2023. Collection method: clinical testing. Allele origin: germline.
Comment: The p.S333A variant (also known as c.997T>G), located in coding exon 8 of the PRKAG2 gene, results from a T to G substitution at nucleotide position 997. The serine at codon 333 is replaced by alanine, an amino acid with similar properties. This amino acid position is conserved. In addition, the in silico prediction for this alteration is inconclusive. Based on the available evidence, the clinical significance of this variant remains unclear.

All of Us Research Program, National Institutes of Health
Classification: Uncertain significance for Hypertrophic cardiomyopathy. Last evaluated: 2024-08-06. Review status: criteria provided, single submitter. Criteria: ACMG Guidelines, 2015. Collection method: clinical testing. Allele origin: germline. Inheritance: Autosomal dominant inheritance. Observed: 5 variant alleles, 5 heterozygotes.
Comment: This missense variant replaces serine with alanine at codon 333 of the PRKAG2 protein. Computational prediction suggests that this variant may have deleterious impact on protein structure and function (internally defined REVEL score threshold >= 0.7, PMID: 27666373). Splice site prediction tools suggest that this variant may not impact RNA splicing. To our knowledge, functional studies have not been performed for this variant. This variant has been reported in an individual affected with hypertrophic cardiomyopathy, who also carried another pathogenic variant in the MYH7 gene (PMID: 31110529). This variant has been identified in 3/250994 chromosomes in the general population by the Genome Aggregation Database (gnomAD). The available evidence is insufficient to determine the role of this variant in disease conclusively. Therefore, this variant is classified as a Variant of Uncertain Significance.

This study involves interpretation of variants in research participants for the purpose of population health screening. Participant phenotype was not available at the time of variant classification. Additional details can be found in publication PMID: 35346344, PMCID: PMC8962531

Color Diagnostics, LLC DBA Color Health
Classification: Uncertain significance for Cardiomyopathy. Last evaluated: 2024-07-16. Review status: criteria provided, single submitter. Criteria: ACMG Guidelines, 2015. Collection method: clinical testing. Allele origin: germline.
Comment: This missense variant replaces serine with alanine at codon 333 of the PRKAG2 protein. Computational prediction suggests that this variant may have a deleterious impact on protein structure and function. To our knowledge, functional studies have not been reported for this variant. This variant has been reported in an individual affected with hypertrophic cardiomyopathy, who also carried another pathogenic variant in the MYH7 gene (PMID: 31110529). This variant has been identified in 3/250994 chromosomes in the general population by the Genome Aggregation Database (gnomAD). The available evidence is insufficient to determine the role of this variant in disease conclusively. Therefore, this variant is classified as a Variant of Uncertain Significance.

Fulgent Genetics
Classification: Uncertain significance for Wolff-Parkinson-White pattern; Lethal congenital glycogen storage disease of heart; Hypertrophic cardiomyopathy 6. Last evaluated: 2021-10-13. Review status: criteria provided, single submitter. Criteria: ACMG Guidelines, 2015. Collection method: clinical testing. Allele origin: unknown.

Blueprint Genetics
Classification: Uncertain significance. Last evaluated: 2017-10-26. Review status: criteria provided, single submitter. Criteria: ACMG Guidelines, 2015. Collection method: clinical testing. Allele origin: germline.

CHEO Genetics Diagnostic Laboratory, Children's Hospital of Eastern Ontario
Classification: Uncertain significance for Cardiomyopathy. Last evaluated: 2016-04-22. Review status: criteria provided, single submitter. Criteria: ACMG Guidelines, 2015. Collection method: clinical testing. Allele origin: germline. Study: Canadian Open Genetics Repository.

Literature cited by the submitters: PubMed 31110529 (cited by All of Us Research Program, National Institutes of Health and Color Diagnostics, LLC DBA Color Health).